The following is an entry in ClinVar:

ClinVar aggregate classification (germline): Uncertain significance (1 of 4 stars; one submission).

Allele frequency attached by ClinVar (database versions not stated): gnomAD exomes 0.00001 and 0.00002; TOPMed 0.00001; ExAC 0.00003.
gnomAD v4.1: 7 of 1,614,064 alleles (0.00043%); highest among the groups gnomAD compares: Admixed American, 0.01%; no homozygotes.

Submission:

Labcorp Genetics (formerly Invitae), Labcorp
Classification: Uncertain significance. Last evaluated: 2021-01-15. Review status: criteria provided, single submitter. Criteria: Invitae Variant Classification Sherloc (09022015). Collection method: clinical testing. Allele origin: germline.
Comment: This sequence change replaces proline with arginine at codon 551 of the REPS1 protein (p.Pro551Arg). The proline residue is highly conserved and there is a moderate physicochemical difference between proline and arginine. This variant is present in population databases (rs779531968, ExAC 0.03%). This variant has not been reported in the literature in individuals with REPS1-related conditions. Algorithms developed to predict the effect of missense changes on protein structure and function (SIFT, PolyPhen-2, Align-GVGD) all suggest that this variant is likely to be disruptive, but these predictions have not been confirmed by published functional studies and their clinical significance is uncertain. In summary, the available evidence is currently insufficient to determine the role of this variant in disease. Therefore, it has been classified as a Variant of Uncertain Significance.

NM_001286611.2(REPS1):c.1652C>G (p.Pro551Arg)

Gene: REPS1 (RALBP1 associated Eps domain containing 1; minus strand). Cytogenetic location: 6q24.1.
Variant type: single nucleotide variant.
Coding change: c.1652C>G on transcript NM_001286611.2 (MANE Select); coding-DNA position 1652, C replaced by G.
Protein change: p.Pro551Arg; replaces proline 551 with arginine.
Molecular consequence: missense variant. On other transcripts: intron variant (1).
Genome position (GRCh38, 1-based): chr6:138,915,926, G>C on the plus strand (C>G on the coding strand, the complement: REPS1 is on the minus strand). VCF-style: chr6-138915926-G-C. GRCh37 (hg19) VCF-style: chr6-139237063-G-C.
Other names: c.1571C>G, p.Pro524Arg (NM_001128617.3); c.1649C>G, p.Pro550Arg (NM_031922.5); c.1448-1165C>G (NM_001286612.2); short protein forms P524R, P551R, P550R.
Identifiers: ClinVar variation 1378744 (VCV001378744.8), dbSNP rs779531968, ClinGen allele CA4024093.